The following is an entry in ClinVar:

NC_000023.10:g.(?_32002586)_(32235054_?)del

Gene: DMD (dystrophin; minus strand). Cytogenetic location: Xp21.1.
Variant type: Deletion.
Identifiers: ClinVar variation 3243460 (VCV003243460.1).

ClinVar aggregate classification (germline): Likely pathogenic (1 of 4 stars; one submission).

Conditions:
Duchenne muscular dystrophy (DMD). Also called: MUSCULAR DYSTROPHY, PSEUDOHYPERTROPHIC PROGRESSIVE, DUCHENNE TYPE; Duchenne Muscular Dystrophy (DMD). Identifiers: Orphanet 98896, MedGen C0013264, MONDO:0010679, OMIM 310200.

Submission:

Labcorp Genetics (formerly Invitae), Labcorp
Classification: Likely pathogenic for Duchenne muscular dystrophy. Last evaluated: 2020-06-09. Review status: criteria provided, single submitter. Criteria: Invitae Variant Classification Sherloc (09022015). Collection method: clinical testing. Allele origin: unknown.
Comment: This variant results in the deletion of part of exon 44 (c.6417_6439-15955del) of the DMD gene. It is expected to disrupt RNA splicing and likely results in an absent or disrupted protein product. This variant has been observed in individual(s) with clinical features of DMD-related muscular dystrophy (Invitae). Loss-of-function variants in DMD are known to be pathogenic (PMID: 16770791, 25007885). In summary, the currently available evidence indicates that the variant is pathogenic, but additional data are needed to prove that conclusively. Therefore, this variant has been classified as Likely Pathogenic.

Literature cited by the submitters: PubMed 16770791; PubMed 25007885.